The following is an entry in ClinVar:

ClinVar aggregate classification (germline): Uncertain significance. Review status: criteria provided, multiple submitters, no conflicts (2 of 4 stars). 4 submissions from 4 submitters: Uncertain significance (4). Last evaluated 2024-12-08.

Conditions:
Inborn genetic diseases. Identifiers: MedGen C0950123, MeSH D030342.
Fanconi anemia (FA). Also called: Fanconi's anemia. Identifiers: Orphanet 84, MedGen C0015625, MeSH D005199, MONDO:0019391.
Fanconi anemia complementation group A (FANCA). Also called: FANCA-Related Fanconi Anemia; Fanconi anemia, group A. Identifiers: Orphanet 84, MedGen C3469521, MONDO:0009215, OMIM 227650.

Allele frequency attached by ClinVar (database versions not stated): ExAC 0.00001; TOPMed 0.00001.
gnomAD v4.1: 31 of 1,614,056 alleles (0.0019%); highest among the groups gnomAD compares: Non-Finnish European, 0.0025%; no homozygotes.

Submissions (4):

Ambry Genetics
Classification: Uncertain significance for Inborn genetic diseases. Last evaluated: 2024-12-08. Review status: criteria provided, single submitter. Criteria: Ambry Variant Classification Scheme 2023. Collection method: clinical testing. Allele origin: germline.
Comment: The p.Q248K variant (also known as c.742C>A), located in coding exon 8 of the FANCA gene, results from a C to A substitution at nucleotide position 742. The glutamine at codon 248 is replaced by lysine, an amino acid with similar properties. This amino acid position is conserved. In addition, this alteration is predicted to be tolerated by in silico analysis. Based on the available evidence, the clinical significance of this variant remains unclear.

GeneDx
Classification: Uncertain significance. Last evaluated: 2023-11-20. Review status: criteria provided, single submitter. Criteria: GeneDx Variant Classification Process June 2021. Collection method: clinical testing. Allele origin: germline. Affected: yes.
Comment: Not observed at significant frequency in large population cohorts (gnomAD); In silico analysis supports that this missense variant has a deleterious effect on protein structure/function; Has not been previously published as pathogenic or benign to our knowledge

Fulgent Genetics
Classification: Uncertain significance for Fanconi anemia complementation group A. Last evaluated: 2022-05-01. Review status: criteria provided, single submitter. Criteria: ACMG Guidelines, 2015. Collection method: clinical testing. Allele origin: unknown.

Labcorp Genetics (formerly Invitae), Labcorp
Classification: Uncertain significance for Fanconi anemia. Last evaluated: 2021-09-01. Review status: criteria provided, single submitter. Criteria: Invitae Variant Classification Sherloc (09022015). Collection method: clinical testing. Allele origin: germline.
Comment: This sequence change replaces glutamine with lysine at codon 248 of the FANCA protein (p.Gln248Lys). The glutamine residue is weakly conserved and there is a small physicochemical difference between glutamine and lysine. This variant is present in population databases (rs760744752, ExAC 0.001%). This variant has not been reported in the literature in individuals affected with FANCA-related conditions. Algorithms developed to predict the effect of missense changes on protein structure and function (SIFT, PolyPhen-2, Align-GVGD) all suggest that this variant is likely to be tolerated. In summary, the available evidence is currently insufficient to determine the role of this variant in disease. Therefore, it has been classified as a Variant of Uncertain Significance.

NM_000135.4(FANCA):c.742C>A (p.Gln248Lys)

Gene: FANCA (FA complementation group A; minus strand). Cytogenetic location: 16q24.3.
Variant type: single nucleotide variant.
Coding change: c.742C>A on transcript NM_000135.4 (MANE Select); coding-DNA position 742, C replaced by A.
Protein change: p.Gln248Lys; replaces glutamine 248 with lysine.
Molecular consequence: missense variant.
Genome position (GRCh38, 1-based): chr16:89,803,309, G>T on the plus strand (C>A on the coding strand, the complement: FANCA is on the minus strand). VCF-style: chr16-89803309-G-T. GRCh37 (hg19) VCF-style: chr16-89869717-G-T.
Other names: c.742C>A (LRG_495t1); c.742C>A, p.Gln248Lys (NM_001018112.3, NM_001286167.3); c.646C>A, p.Gln216Lys (NM_001351830.2); short protein forms Q248K, Q216K.
Identifiers: ClinVar variation 565673 (VCV000565673.9), dbSNP rs760744752, ClinGen allele CA8252821.